The following is an entry in ClinVar:

ClinVar aggregate classification (germline): Uncertain significance. Review status: criteria provided, multiple submitters, no conflicts (2 of 4 stars). 2 submissions from 2 submitters: Uncertain significance (2). Last evaluated 2024-12-30.

Conditions:
Inborn genetic diseases. Identifiers: MedGen C0950123, MeSH D030342.

Allele frequency attached by ClinVar (database versions not stated): TOPMed below 0.00001; gnomAD 0.00001; ExAC 0.00002.
gnomAD v4.1: 5 of 1,613,984 alleles (0.00031%); highest among the groups gnomAD compares: Admixed American, 0.0033%; no homozygotes.

Submissions (2):

Ambry Genetics
Classification: Uncertain significance for Inborn genetic diseases. Last evaluated: 2024-12-30. Review status: criteria provided, single submitter. Criteria: Ambry Variant Classification Scheme 2023. Collection method: clinical testing. Allele origin: germline.

Labcorp Genetics (formerly Invitae), Labcorp
Classification: Uncertain significance. Last evaluated: 2022-07-06. Review status: criteria provided, single submitter. Criteria: Invitae Variant Classification Sherloc (09022015). Collection method: clinical testing. Allele origin: germline.
Comment: In summary, the available evidence is currently insufficient to determine the role of this variant in disease. Therefore, it has been classified as a Variant of Uncertain Significance. Algorithms developed to predict the effect of missense changes on protein structure and function output the following: SIFT: "Tolerated"; PolyPhen-2: "Benign"; Align-GVGD: "Class C0". The aspartic acid amino acid residue is found in multiple mammalian species, which suggests that this missense change does not adversely affect protein function. This variant has not been reported in the literature in individuals affected with RNASEH1-related conditions. This variant is present in population databases (rs753159451, gnomAD 0.006%). This sequence change replaces glycine, which is neutral and non-polar, with aspartic acid, which is acidic and polar, at codon 224 of the RNASEH1 protein (p.Gly224Asp).

NM_002936.6(RNASEH1):c.671G>A (p.Gly224Asp)

Gene: RNASEH1 (ribonuclease H1; minus strand). Cytogenetic location: 2p25.3.
Variant type: single nucleotide variant.
Coding change: c.671G>A on transcript NM_002936.6 (MANE Select); coding-DNA position 671, G replaced by A.
Protein change: p.Gly224Asp; replaces glycine 224 with aspartic acid.
Molecular consequence: missense variant. On other transcripts: non-coding transcript variant (7).
Genome position (GRCh38, 1-based): chr2:3,548,034, C>T on the plus strand (G>A on the coding strand, the complement: RNASEH1 is on the minus strand). VCF-style: chr2-3548034-C-T. GRCh37 (hg19) VCF-style: chr2-3595624-C-T.
Other names: c.593G>A, p.Gly198Asp (NM_001286834.3); c.320G>A, p.Gly107Asp (NM_001286837.3); c.671G>A, p.Gly224Asp (NM_001378271.1); c.668G>A, p.Gly223Asp (NM_001378272.1); c.656G>A, p.Gly219Asp (NM_001378273.1); c.671G>A (NM_002936.3); short protein forms G219D, G224D, G107D, G198D, G223D.
Identifiers: ClinVar variation 2191455 (VCV002191455.5), dbSNP rs753159451, ClinGen allele CA1516156.